The following is an entry in ClinVar:

NM_003737.4(DCHS1):c.4933G>A (p.Glu1645Lys)

Gene: DCHS1 (dachsous cadherin-related 1; minus strand). Cytogenetic location: 11p15.4.
Variant type: single nucleotide variant.
Coding change: c.4933G>A on transcript NM_003737.4 (MANE Select); coding-DNA position 4933, G replaced by A.
Protein change: p.Glu1645Lys; replaces glutamic acid 1645 with lysine.
Molecular consequence: missense variant.
Genome position (GRCh38, 1-based): chr11:6,629,774, C>T on the plus strand (G>A on the coding strand, the complement: DCHS1 is on the minus strand). VCF-style: chr11-6629774-C-T. GRCh37 (hg19) VCF-style: chr11-6651005-C-T.
Other names: c.4933G>A (NM_003737.2); short protein forms E1645K.
Identifiers: ClinVar variation 1945031 (VCV001945031.6), dbSNP rs774740188, ClinGen allele CA5860230.
Genomic context (GRCh38, chr11:6,629,774, plus strand): 5'-CAGGAGGGTTGTTCTCACGCAAGAGGACGCTGTACTCCTGCTGCTGGAAAGTAGGCGCCT[C>T]GTCGTTGACGTCAGCGACACTGACGGTCAGGACCTGCGTGGCCGAGCGCGGCGGGGAGCC-3'
Protein context (NP_003728.1, residues 1635-1655): LTVSVADVND[Glu1645Lys]APTFQQQEYS

ClinVar aggregate classification (germline): Uncertain significance. Review status: criteria provided, multiple submitters, no conflicts (2 of 4 stars). 2 submissions from 2 submitters: Uncertain significance (2). Last evaluated 2025-06-12.

Conditions:
Inborn genetic diseases. Identifiers: MedGen C0950123, MeSH D030342.

Allele frequency attached by ClinVar (database versions not stated): gnomAD exomes 0.00001; ExAC 0.00002; gnomAD 0.00002; TOPMed 0.00003.
gnomAD v4.1: 11 of 1,613,582 alleles (0.00068%); highest among the groups gnomAD compares: African/African-American, 0.0027%; no homozygotes.

Submissions (2):

Labcorp Genetics (formerly Invitae), Labcorp
Classification: Uncertain significance. Last evaluated: 2025-06-12. Review status: criteria provided, single submitter. Criteria: Invitae Variant Classification Sherloc (09022015). Collection method: clinical testing. Allele origin: germline.
Comment: This sequence change replaces glutamic acid, which is acidic and polar, with lysine, which is basic and polar, at codon 1645 of the DCHS1 protein (p.Glu1645Lys). This variant is present in population databases (rs774740188, gnomAD 0.008%). This variant has not been reported in the literature in individuals affected with DCHS1-related conditions. ClinVar contains an entry for this variant (Variation ID: 1945031). Invitae Evidence Modeling of protein sequence and biophysical properties (such as structural, functional, and spatial information, amino acid conservation, physicochemical variation, residue mobility, and thermodynamic stability) indicates that this missense variant is not expected to disrupt DCHS1 protein function with a negative predictive value of 80%. In summary, the available evidence is currently insufficient to determine the role of this variant in disease. Therefore, it has been classified as a Variant of Uncertain Significance.

Ambry Genetics
Classification: Uncertain significance for Inborn genetic diseases. Last evaluated: 2025-01-08. Review status: criteria provided, single submitter. Criteria: Ambry Variant Classification Scheme 2023. Collection method: clinical testing. Allele origin: germline.